The following is an entry in ClinVar:

ClinVar aggregate classification (germline): Benign (0 of 4 stars; one submission).

Conditions:
DIAPH2-related disorder. Also called: DIAPH2-related condition.

Submissions (2):

PreventionGenetics, part of Exact Sciences
Classification: Benign for DIAPH2-related condition. Last evaluated: 2019-10-28. Review status: no assertion criteria provided. Collection method: clinical testing. Allele origin: germline.
Comment: This variant is classified as benign based on ACMG/AMP sequence variant interpretation guidelines (Richards et al. 2015 PMID: 25741868, with internal and published modifications).

Dr. Peter K. Rogan Lab, Western University
No classification provided (evidence only). Condition: Gastric cancer. Review status: no classification provided. Collection method: in vitro. Allele origin: not applicable. Functional consequence: retained intron. Not counted in ClinVar's aggregate classification.

NM_006729.5(DIAPH2):c.733-5_733-3del

Gene: DIAPH2 (diaphanous related formin 2; plus strand). Cytogenetic location: Xq21.33.
Variant type: Deletion.
Coding change: c.733-5_733-3del on transcript NM_006729.5 (MANE Select); 5 bases into the intron before coding-DNA position 733 through 3 bases into the intron before coding-DNA position 733, 3 bases deleted (TTT; older notation c.733-5_733-3delTTT).
Molecular consequence: intron variant.
Genome position (GRCh38, 1-based): chrX:96,916,433-96,916,435, TTT deleted; deleting any 3 consecutive bases within chrX:96,916,418-96,916,435 gives the same sequence; the c. name uses the placement nearest the transcript's 3' end. VCF-style (leftmost placement, unchanged base first): chrX-96916417-GTTT-G. GRCh37 (hg19) VCF-style: chrX-96171416-GTTT-G.
Other names: NC_000023.10:g.96171432_96171434del; c.733-5_733-3del (NM_007309.4).
Identifiers: ClinVar variation 3043721 (VCV003043721.3), dbSNP rs56682273, ClinGen allele CA643405328.